The following is an entry in ClinVar:

NM_000094.4(COL7A1):c.6066G>T (p.Gly2022=)

Gene: COL7A1 (collagen type VII alpha 1 chain; minus strand). Cytogenetic location: 3p21.31.
Variant type: single nucleotide variant.
Coding change: c.6066G>T on transcript NM_000094.4 (MANE Select); coding-DNA position 6066, G replaced by T.
Protein change: p.Gly2022=; no amino-acid change (glycine 2022 retained).
Molecular consequence: synonymous variant.
Genome position (GRCh38, 1-based): chr3:48,575,453, C>A on the plus strand (G>T on the coding strand, the complement: COL7A1 is on the minus strand). VCF-style: chr3-48575453-C-A. GRCh37 (hg19) VCF-style: chr3-48612886-C-A.
Identifiers: ClinVar variation 1384619 (VCV001384619.8), dbSNP rs2044230625, ClinGen allele CA433617124.

ClinVar aggregate classification (germline): Uncertain significance (1 of 4 stars; one submission).

Allele frequency attached by ClinVar (database versions not stated): TOPMed 0.00001.

Submission:

Labcorp Genetics (formerly Invitae), Labcorp
Classification: Uncertain significance. Last evaluated: 2023-05-15. Review status: criteria provided, single submitter. Criteria: Invitae Variant Classification Sherloc (09022015). Collection method: clinical testing. Allele origin: germline.
Comment: In summary, the available evidence is currently insufficient to determine the role of this variant in disease. Therefore, it has been classified as a Variant of Uncertain Significance. Algorithms developed to predict the effect of sequence changes on RNA splicing suggest that this variant may disrupt the consensus splice site. ClinVar contains an entry for this variant (Variation ID: 1384619). This variant has not been reported in the literature in individuals affected with COL7A1-related conditions. This variant is not present in population databases (gnomAD no frequency). This sequence change affects codon 2022 of the COL7A1 mRNA. It is a 'silent' change, meaning that it does not change the encoded amino acid sequence of the COL7A1 protein.